The following is an entry in ClinVar:

NM_003105.6(SORL1):c.6026G>A (p.Gly2009Glu)

Gene: SORL1 (sortilin related receptor 1; plus strand). Cytogenetic location: 11q24.1.
Variant type: single nucleotide variant.
Coding change: c.6026G>A on transcript NM_003105.6 (MANE Select); coding-DNA position 6026, G replaced by A.
Protein change: p.Gly2009Glu; replaces glycine 2009 with glutamic acid.
Molecular consequence: missense variant.
Genome position (GRCh38, 1-based): chr11:121,621,200, G>A. VCF-style: chr11-121621200-G-A. GRCh37 (hg19) VCF-style: chr11-121491909-G-A.
Other names: short protein forms G2009E.
Identifiers: ClinVar variation 3712560 (VCV003712560.2).

ClinVar aggregate classification (germline): Uncertain significance (1 of 4 stars; one submission).

gnomAD v4.1: 18 of 1,613,980 alleles (0.0011%); highest among the groups gnomAD compares: South Asian, 0.018%; no homozygotes.

Submission:

Labcorp Genetics (formerly Invitae), Labcorp
Classification: Uncertain significance. Last evaluated: 2025-03-26. Review status: criteria provided, single submitter. Criteria: Invitae Variant Classification Sherloc (09022015). Collection method: clinical testing. Allele origin: germline.
Comment: This sequence change replaces glycine, which is neutral and non-polar, with glutamic acid, which is acidic and polar, at codon 2009 of the SORL1 protein (p.Gly2009Glu). This variant is present in population databases (rs766163770, gnomAD 0.01%). This variant has not been reported in the literature in individuals affected with SORL1-related conditions. An algorithm developed to predict the effect of missense changes on protein structure and function (PolyPhen-2) suggests that this variant is likely to be disruptive. In summary, the available evidence is currently insufficient to determine the role of this variant in disease. Therefore, it has been classified as a Variant of Uncertain Significance.